The following is an entry in ClinVar:

ClinVar aggregate classification (germline): Uncertain significance (1 of 4 stars; one submission).

Submission:

Labcorp Genetics (formerly Invitae), Labcorp
Classification: Uncertain significance. Last evaluated: 2025-07-09. Review status: criteria provided, single submitter. Criteria: Invitae Variant Classification Sherloc (09022015). Collection method: clinical testing. Allele origin: germline.
Comment: This sequence change replaces arginine, which is basic and polar, with lysine, which is basic and polar, at codon 1589 of the BPTF protein (p.Arg1589Lys). This variant is not present in population databases (gnomAD no frequency). This variant has not been reported in the literature in individuals affected with BPTF-related conditions. An algorithm developed to predict the effect of missense changes on protein structure and function outputs the following: PolyPhen-2: "Benign". The lysine amino acid residue is found in multiple mammalian species, which suggests that this missense change does not adversely affect protein function. In summary, the available evidence is currently insufficient to determine the role of this variant in disease. Therefore, it has been classified as a Variant of Uncertain Significance.

NM_182641.4(BPTF):c.4388G>A (p.Arg1463Lys)

Gene: BPTF (bromodomain PHD finger transcription factor; plus strand). Cytogenetic location: 17q24.2.
Variant type: single nucleotide variant.
Coding change: c.4388G>A on transcript NM_182641.4 (MANE Select); coding-DNA position 4388, G replaced by A.
Protein change: p.Arg1463Lys; replaces arginine 1463 with lysine.
Molecular consequence: missense variant.
Genome position (GRCh38, 1-based): chr17:67,912,272, G>A. VCF-style: chr17-67912272-G-A. GRCh37 (hg19) VCF-style: chr17-65908388-G-A.
Other names: c.4577G>A, p.Arg1526Lys (NM_001439139.1, NM_001439141.1, NM_001439143.1 and 1 more transcripts); c.4766G>A, p.Arg1589Lys (NM_001439140.1, NM_001439142.1, NM_004459.7); short protein forms R1526K, R1589K, R1463K.
Identifiers: ClinVar variation 4760973 (VCV004760973.1).
Genomic context (GRCh38, chr17:67,912,272, plus strand): 5'-TAAATAAAATAATCCCTGAGAATGATATTAAATCATTGACTGTTAAAGAATCTGCTATAA[G>A]GCCATTCATTAATGGTGATGTCATCATGGAAGATTTTAATGAAAGAAACAGCTCCGAAAC-3'
Protein context (NP_872579.2, residues 1453-1473): KSLTVKESAI[Arg1463Lys]PFINGDVIME